The following is an entry in ClinVar:

ClinVar aggregate classification (germline): Pathogenic (1 of 4 stars; one submission).

Conditions:
Ataxia-telangiectasia syndrome (AT). Also called: Ataxia-telangiectasia, complementation group D; AT, COMPLEMENTATION GROUP C; Ataxia telangiectasia (A-T); Cerebello-oculocutaneous telangiectasia; Immunodeficiency with ataxia telangiectasia; Ataxia-telangiectasia. Identifiers: Orphanet 100, MedGen C0004135, MONDO:0008840, OMIM 208900.

Submission:

Labcorp Genetics (formerly Invitae), Labcorp
Classification: Pathogenic for Ataxia-telangiectasia syndrome. Last evaluated: 2019-03-02. Review status: criteria provided, single submitter. Criteria: Invitae Variant Classification Sherloc (09022015). Collection method: clinical testing. Allele origin: germline.
Comment: Loss-of-function variants in ATM are known to be pathogenic (PMID: 23807571, 25614872). For these reasons, this variant has been classified as Pathogenic. This variant has not been reported in the literature in individuals with ATM-related conditions. This variant is not present in population databases (ExAC no frequency). This sequence change creates a premature translational stop signal (p.Arg337Valfs*9) in the ATM gene. It is expected to result in an absent or disrupted protein product.

Literature cited by the submitters: PubMed 23807571; PubMed 25614872.

NM_000051.4(ATM):c.1008del (p.Arg337fs)

Gene: ATM (ATM serine/threonine kinase; plus strand). Cytogenetic location: 11q22.3.
Variant type: Deletion.
Coding change: c.1008del on transcript NM_000051.4 (MANE Select); coding-DNA position 1008, one base deleted (T; older notation c.1008delT).
Protein change: p.Arg337fs; shifts the reading frame from arginine 337.
Molecular consequence: frameshift variant.
Genome position (GRCh38, 1-based): chr11:108,247,070, T deleted; the last of 3 consecutive T bases (chr11:108,247,068-108,247,070); deleting any one gives the same sequence. VCF-style (leftmost placement, unchanged base first): chr11-108247067-AT-A. GRCh37 (hg19) VCF-style: chr11-108117794-AT-A.
Other names: c.1008del, p.Arg337fs (NM_001351834.2); short protein forms R337fs.
Identifiers: ClinVar variation 842680 (VCV000842680.7), dbSNP rs2079886452, ClinGen allele CA916080493.